The following is an entry in ClinVar:

ClinVar aggregate classification (germline): Uncertain significance. Review status: criteria provided, multiple submitters, no conflicts (2 of 4 stars). 3 submissions from 3 submitters: Uncertain significance (3). Last evaluated 2023-06-22.

Conditions:
Aplastic anemia. Identifiers: Orphanet 182040, Orphanet 88, MedGen C0002874, MONDO:0015909, OMIM 609135, HP:0001915.
Microcephaly, normal intelligence and immunodeficiency (NBS). Also called: IMMUNODEFICIENCY, MICROCEPHALY, AND CHROMOSOMAL INSTABILITY; SEEMANOVA SYNDROME II; Nijmegen breakage syndrome; Microcephaly with normal intelligence immunodeficiency and lymphoreticular malignancies; Nonsyndromal microcephaly autosomal recessive with normal intelligence; Seemanova syndrome 2. Identifiers: Orphanet 647, MedGen C0398791, MONDO:0009623, OMIM 251260.

Allele frequency attached by ClinVar (database versions not stated): gnomAD exomes below 0.00001; TOPMed below 0.00001.
gnomAD v4.1: 1 of 1,613,432 alleles (0.000062%); highest among the groups gnomAD compares: African/African-American, 0.0013%; no homozygotes.

Submissions (3):

Baylor Genetics
Classification: Uncertain significance for Aplastic anemia. Last evaluated: 2023-06-22. Review status: criteria provided, single submitter. Criteria: ACMG Guidelines, 2015. Collection method: clinical testing. Allele origin: unknown.

Labcorp Genetics (formerly Invitae), Labcorp
Classification: Uncertain significance for Microcephaly, normal intelligence and immunodeficiency. Last evaluated: 2023-02-02. Review status: criteria provided, single submitter. Criteria: Invitae Variant Classification Sherloc (09022015). Collection method: clinical testing. Allele origin: germline.
Comment: ClinVar contains an entry for this variant (Variation ID: 461535). In summary, the available evidence is currently insufficient to determine the role of this variant in disease. Therefore, it has been classified as a Variant of Uncertain Significance. Algorithms developed to predict the effect of missense changes on protein structure and function output the following: SIFT: "Tolerated"; PolyPhen-2: "Benign"; Align-GVGD: "Class C0". The valine amino acid residue is found in multiple mammalian species, which suggests that this missense change does not adversely affect protein function. This variant has not been reported in the literature in individuals affected with NBN-related conditions. This variant is present in population databases (no rsID available, gnomAD 0.007%). This sequence change replaces leucine, which is neutral and non-polar, with valine, which is neutral and non-polar, at codon 68 of the NBN protein (p.Leu68Val).

Genome-Nilou Lab
Classification: Uncertain significance for Microcephaly, normal intelligence and immunodeficiency. Last evaluated: 2021-11-07. Review status: criteria provided, single submitter. Criteria: ACMG Guidelines, 2015. Collection method: clinical testing. Allele origin: germline. Affected: no.

NM_002485.5(NBN):c.202T>G (p.Leu68Val)

Gene: NBN (nibrin; minus strand). Cytogenetic location: 8q21.3.
Variant type: single nucleotide variant.
Coding change: c.202T>G on transcript NM_002485.5 (MANE Select); coding-DNA position 202, T replaced by G.
Protein change: p.Leu68Val; replaces leucine 68 with valine.
Molecular consequence: missense variant. On other transcripts: 5 prime UTR variant (1).
Genome position (GRCh38, 1-based): chr8:89,981,493, A>C on the plus strand (T>G on the coding strand, the complement: NBN is on the minus strand). VCF-style: chr8-89981493-A-C. GRCh37 (hg19) VCF-style: chr8-90993721-A-C.
Other names: c.-45T>G (NM_001024688.3); short protein forms L68V.
Identifiers: ClinVar variation 461535 (VCV000461535.14), dbSNP rs1200599843, ClinGen allele CA371662582.